The following is an entry in ClinVar:

ClinVar aggregate classification (germline): Uncertain significance (1 of 4 stars; one submission).

gnomAD v4.1: 1 of 151,910 alleles (0.00066%); highest among the groups gnomAD compares: South Asian, 0.021%; no homozygotes.

Submission:

GeneDx
Classification: Uncertain significance. Last evaluated: 2026-04-21. Review status: criteria provided, single submitter. Criteria: GeneDx Variant Classification Process June 2021. Collection method: clinical testing. Allele origin: germline.
Comment: Not observed at significant frequency in large population cohorts (gnomAD); Has not been previously published as pathogenic or benign to our knowledge; In silico analysis suggests this variant may impact gene splicing. In the absence of RNA/functional studies, the actual effect of this sequence change is unknown.

NM_000110.4(DPYD):c.851-12472T>C

Gene: DPYD (dihydropyrimidine dehydrogenase; minus strand). Cytogenetic location: 1p21.3.
Variant type: single nucleotide variant.
Coding change: c.851-12472T>C on transcript NM_000110.4 (MANE Select); 12472 bases into the intron before coding-DNA position 851, T replaced by C.
Molecular consequence: intron variant.
Genome position (GRCh38, 1-based): chr1:97,607,638, A>G on the plus strand (T>C on the coding strand, the complement: DPYD is on the minus strand). VCF-style: chr1-97607638-A-G. GRCh37 (hg19) VCF-style: chr1-98073194-A-G.
Identifiers: ClinVar variation 5037534 (VCV005037534.1).